The following is an entry in ClinVar:

ClinVar aggregate classification (germline): Uncertain significance (1 of 4 stars; one submission).

Conditions:
Growth hormone insensitivity with immune dysregulation 1, autosomal recessive. Also called: GROWTH HORMONE INSENSITIVITY DUE TO POSTRECEPTOR DEFECT; LARON SYNDROME DUE TO POSTRECEPTOR DEFECT; GROWTH HORMONE INSENSITIVITY SYNDROME WITH IMMUNE DYSREGULATION 1, AUTOSOMAL RECESSIVE; Laron syndrome with immunodeficiency. Identifiers: Orphanet 220465, MedGen C5435698, MONDO:0100211, OMIM 245590.

Submission:

Labcorp Genetics (formerly Invitae), Labcorp
Classification: Uncertain significance for Growth hormone insensitivity with immune dysregulation 1, autosomal recessive. Last evaluated: 2023-11-12. Review status: criteria provided, single submitter. Criteria: Invitae Variant Classification Sherloc (09022015). Collection method: clinical testing. Allele origin: germline.
Comment: This sequence change replaces aspartic acid, which is acidic and polar, with valine, which is neutral and non-polar, at codon 475 of the STAT5B protein (p.Asp475Val). This variant is not present in population databases (gnomAD no frequency). This variant has not been reported in the literature in individuals affected with STAT5B-related conditions. Advanced modeling of protein sequence and biophysical properties (such as structural, functional, and spatial information, amino acid conservation, physicochemical variation, residue mobility, and thermodynamic stability) performed at Invitae indicates that this missense variant is not expected to disrupt STAT5B protein function with a negative predictive value of 80%. In summary, the available evidence is currently insufficient to determine the role of this variant in disease. Therefore, it has been classified as a Variant of Uncertain Significance.

NM_012448.4(STAT5B):c.1424A>T (p.Asp475Val)

Gene: STAT5B (signal transducer and activator of transcription 5B; minus strand). Cytogenetic location: 17q21.2.
Variant type: single nucleotide variant.
Coding change: c.1424A>T on transcript NM_012448.4 (MANE Select); coding-DNA position 1424, A replaced by T.
Protein change: p.Asp475Val; replaces aspartic acid 475 with valine.
Molecular consequence: missense variant.
Genome position (GRCh38, 1-based): chr17:42,216,063, T>A on the plus strand (A>T on the coding strand, the complement: STAT5B is on the minus strand). VCF-style: chr17-42216063-T-A. GRCh37 (hg19) VCF-style: chr17-40368081-T-A.
Other names: short protein forms D475V.
Identifiers: ClinVar variation 2695277 (VCV002695277.3), dbSNP rs2508745447, ClinGen allele CA399580703.
Genomic context (GRCh38, chr17:42,216,063, plus strand): 5'-AATACACTCACAGGCTCTGCAAAAGCATTGTCCCAGAGAACAGTGGCCGTCGCATTGTTG[T>A]CCTGGCTGCCATGAACGATCACCACCACTGGCAGGGACAGGGTCTAAAAAGACACAAGAG-3'
Protein context (NP_036580.2, residues 465-485): PVVVIVHGSQ[Asp475Val]NNATATVLWD